The following is an entry in ClinVar:

NM_024675.4(PALB2):c.635del (p.Pro212fs)

Gene: PALB2 (partner and localizer of BRCA2; minus strand). Cytogenetic location: 16p12.2.
Variant type: Deletion.
Coding change: c.635del on transcript NM_024675.4 (MANE Select); coding-DNA position 635, one base deleted (C; older notation c.635delC).
Protein change: p.Pro212fs; shifts the reading frame from proline 212.
Molecular consequence: frameshift variant.
Genome position (GRCh38, 1-based): chr16:23,635,911, G deleted on the plus strand (C on the coding strand, the reverse complement: PALB2 is on the minus strand); the first of 2 consecutive G bases (chr16:23,635,911-23,635,912); deleting either gives the same sequence. VCF-style (leftmost placement, unchanged base first): chr16-23635910-TG-T. GRCh37 (hg19) VCF-style: chr16-23647231-TG-T.
Other names: c.635delC (NM_024675.3); short protein forms P212fs.
Identifiers: ClinVar variation 461013 (VCV000461013.8), dbSNP rs1555461697, ClinGen allele CA658658442.
Genomic context (GRCh38, chr16:23,635,910, plus strand): 5'-ACCTTTTTCTGGTTGGGCAGTTGGTGGAATTAATACACTGTCTTCATTAATTTCTGTAAC[TG>T]GTTCTGGAGAATCTGGAAGTTCAGATTTAAGACTTAAAAGGTGAGTTCTTATTTCAGTTA-3'

ClinVar aggregate classification (germline): Pathogenic. Review status: criteria provided, multiple submitters, no conflicts (2 of 4 stars). 2 submissions from 2 submitters: Pathogenic (2). Last evaluated 2023-09-06.

Conditions:
Familial cancer of breast. Also called: BREAST CANCER, FAMILIAL; Hereditary breast cancer; hereditary breast carcinoma. Identifiers: Orphanet 227535, MedGen C0346153, MONDO:0016419, OMIM 114480. Disease mechanism: loss of function.

Submissions (2):

Myriad Genetics, Inc.
Classification: Pathogenic for Familial cancer of breast. Last evaluated: 2023-09-06. Review status: criteria provided, single submitter. Criteria: Myriad Autosomal Dominant, Autosomal Recessive and X-Linked Classification Criteria (2023). Collection method: clinical testing. Allele origin: unknown.
Comment: This variant is considered pathogenic. This variant creates a frameshift predicted to result in premature protein truncation.

Labcorp Genetics (formerly Invitae), Labcorp
Classification: Pathogenic for Familial cancer of breast. Last evaluated: 2023-07-10. Review status: criteria provided, single submitter. Criteria: Invitae Variant Classification Sherloc (09022015). Collection method: clinical testing. Allele origin: germline.
Comment: This sequence change creates a premature translational stop signal (p.Pro212Glnfs*11) in the PALB2 gene. It is expected to result in an absent or disrupted protein product. Loss-of-function variants in PALB2 are known to be pathogenic (PMID: 17200668, 17200671, 17200672, 24136930, 25099575). This variant is not present in population databases (gnomAD no frequency). This variant has not been reported in the literature in individuals affected with PALB2-related conditions. ClinVar contains an entry for this variant (Variation ID: 461013). For these reasons, this variant has been classified as Pathogenic.

Literature cited by the submitters: PubMed 17200668 (cited by Labcorp Genetics (formerly Invitae), Labcorp); PubMed 17200671 (cited by Labcorp Genetics (formerly Invitae), Labcorp); PubMed 17200672 (cited by Labcorp Genetics (formerly Invitae), Labcorp); PubMed 24136930 (cited by Labcorp Genetics (formerly Invitae), Labcorp); PubMed 25099575 (cited by Labcorp Genetics (formerly Invitae), Labcorp).